The following is an entry in ClinVar:

ClinVar aggregate classification (germline): Uncertain significance. Review status: criteria provided, multiple submitters, no conflicts (2 of 4 stars). 2 submissions from 2 submitters: Uncertain significance (2). Last evaluated 2024-03-20.

Conditions:
BNAR syndrome. Also called: Bifid Nose With or Without Anorectal and Renal Anomalies (BNAR) Syndrome. Identifiers: Orphanet 217266, MedGen C2750433, MONDO:0012165, OMIM 608980.
Oculotrichoanal syndrome (MOTA). Also called: Manitoba Oculotrichoanal (MOTA) Syndrome; MARLES SYNDROME. Identifiers: Orphanet 2717, MedGen C1855425, MONDO:0009560, OMIM 248450.
Trigonocephaly 2 (TRIGNO2). Identifiers: Orphanet 3366, MedGen C3280974, MONDO:0013774, OMIM 614485.

Allele frequency attached by ClinVar (database versions not stated): gnomAD 0.00001; gnomAD exomes below 0.00001; TOPMed 0.00002.
gnomAD v4.1: 7 of 1,613,834 alleles (0.00043%); highest among the groups gnomAD compares: Non-Finnish European, 0.00059%; no homozygotes.

Submissions (2):

Fulgent Genetics
Classification: Uncertain significance for Oculotrichoanal syndrome; BNAR syndrome; Trigonocephaly 2. Last evaluated: 2024-03-20. Review status: criteria provided, single submitter. Criteria: ACMG Guidelines, 2015. Collection method: clinical testing. Allele origin: germline.

Labcorp Genetics (formerly Invitae), Labcorp
Classification: Uncertain significance. Last evaluated: 2022-06-27. Review status: criteria provided, single submitter. Criteria: Invitae Variant Classification Sherloc (09022015). Collection method: clinical testing. Allele origin: germline.
Comment: In summary, the available evidence is currently insufficient to determine the role of this variant in disease. Therefore, it has been classified as a Variant of Uncertain Significance. Algorithms developed to predict the effect of missense changes on protein structure and function are either unavailable or do not agree on the potential impact of this missense change (SIFT: "Deleterious"; PolyPhen-2: "Benign"; Align-GVGD: "Class C0"). This variant has not been reported in the literature in individuals affected with FREM1-related conditions. This variant is not present in population databases (gnomAD no frequency). This sequence change replaces aspartic acid, which is acidic and polar, with tyrosine, which is neutral and polar, at codon 325 of the FREM1 protein (p.Asp325Tyr).

NM_001379081.2(FREM1):c.973G>T (p.Asp325Tyr)

Gene: FREM1 (FRAS1 related extracellular matrix 1; minus strand). Cytogenetic location: 9p22.3.
Variant type: single nucleotide variant.
Coding change: c.973G>T on transcript NM_001379081.2 (MANE Select); coding-DNA position 973, G replaced by T.
Protein change: p.Asp325Tyr; replaces aspartic acid 325 with tyrosine.
Molecular consequence: missense variant. On other transcripts: non-coding transcript variant (4).
Genome position (GRCh38, 1-based): chr9:14,851,463, C>A on the plus strand (G>T on the coding strand, the complement: FREM1 is on the minus strand). VCF-style: chr9-14851463-C-A. GRCh37 (hg19) VCF-style: chr9-14851461-C-A.
Other names: c.973G>T (NM_144966.5); c.1000G>T, p.Asp334Tyr (NM_001370060.1); c.973G>T, p.Asp325Tyr (NM_001370063.1, NM_001370065.1, NM_144966.7); short protein forms D334Y, D325Y.
Identifiers: ClinVar variation 1358955 (VCV001358955.7), dbSNP rs1429190733, ClinGen allele CA372962184.
Genomic context (GRCh38, chr9:14,851,463, plus strand): 5'-CATAGCCCTGGAGCGGGGCTTTAGTAATGTTGAACACCAGCAAGGGTTTAGGGGTCTCAT[C>A]TTCTTCACAGTCCAGAACTGATGTAGTCAAGGAGGTCAGGATGAACTGATCCACTTCCAG-3'
Protein context (NP_001366010.1, residues 315-335): LTTSVLDCEE[Asp325Tyr]ETPKPLLVFN